The following is an entry in ClinVar:

NM_002294.3(LAMP2):c.659dup (p.Gly221fs)

Gene: LAMP2 (lysosome associated membrane protein 2; minus strand). Cytogenetic location: Xq24.
Variant type: Duplication.
Coding change: c.659dup on transcript NM_002294.3 (MANE Select); coding-DNA position 659, one base duplicated (C; older notation c.659dupC).
Protein change: p.Gly221fs; shifts the reading frame from glycine 221.
Molecular consequence: frameshift variant.
Genome position (GRCh38, 1-based): chrX:120,447,923, G duplicated on the plus strand (C on the coding strand, the reverse complement: LAMP2 is on the minus strand). VCF-style (leftmost placement, unchanged base first): chrX-120447922-A-AG. GRCh37 (hg19) VCF-style: chrX-119581777-A-AG.
Other names: c.659dupC (NM_002294.2); c.659dup, p.Gly221fs (NM_001122606.1, NM_013995.2); short protein forms G221fs.
Identifiers: ClinVar variation 420796 (VCV000420796.8), dbSNP rs1556101640, ClinGen allele CA16621190.

ClinVar aggregate classification (germline): Pathogenic/Likely pathogenic. Review status: criteria provided, multiple submitters, no conflicts (2 of 4 stars). 2 submissions from 2 submitters: Pathogenic (1); Likely pathogenic (1). Last evaluated 2020-06-24.

Conditions:
Danon disease. Also called: Glycogen Storage Disease Type IIb; GSD IIb; LYSOSOMAL GLYCOGEN STORAGE DISEASE WITHOUT ACID MALTASE DEFICIENCY; PSEUDOGLYCOGENOSIS II; ANTOPOL DISEASE. Identifiers: Orphanet 34587, MedGen C0878677, MONDO:0010281, OMIM 300257.

Submissions (2):

Labcorp Genetics (formerly Invitae), Labcorp
Classification: Pathogenic for Danon disease. Last evaluated: 2020-06-24. Review status: criteria provided, single submitter. Criteria: Invitae Variant Classification Sherloc (09022015). Collection method: clinical testing. Allele origin: germline.
Comment: This sequence change creates a premature translational stop signal (p.Gly221Trpfs*6) in the LAMP2 gene. It is expected to result in an absent or disrupted protein product. For these reasons, this variant has been classified as Pathogenic. Loss-of-function variants in LAMP2 are known to be pathogenic (PMID: 21415759). This variant has not been reported in the literature in individuals with LAMP2-related conditions. ClinVar contains an entry for this variant (Variation ID: 420796). This variant is not present in population databases (ExAC no frequency).

GeneDx
Classification: Likely pathogenic. Last evaluated: 2016-03-29. Review status: criteria provided, single submitter. Criteria: GeneDx Variant Classification (06012015). Collection method: clinical testing. Allele origin: germline. Affected: yes.
Comment: Although the c.659dupC likely pathogenic variant in the LAMP2 gene has not been reported to our knowledge, this variant causes a shift in reading frame starting at codon Glycine 221, changing it to a Tryptophan, and creating a premature stop codon at position 6 of the new reading frame, denoted p.Gly221TrpfsX6. This variant is expected to result in either an abnormal, truncated protein product or loss of protein from this allele through nonsense-mediated mRNA decay. In addition, other frameshift variants in the LAMP2 gene have been reported in HGMD in association with Danon disease (Stenson et al., 2014). Furthermore, the c.659dupC variant was not observed in approximately 6,500 individuals of European and African American ancestry in the NHLBI Exome Sequencing Project, indicating it is not a common benign variant in these populations. In summary, c.659dupC in the LAMP2 gene is interpreted as a likely pathogenic variant.

Literature cited by the submitters: PubMed 21415759 (cited by Labcorp Genetics (formerly Invitae), Labcorp).